The following is an entry in ClinVar:

ClinVar aggregate classification (germline): Uncertain significance (0 of 4 stars; one submission).

Conditions:
TMPRSS6-related disorder. Also called: TMPRSS6-related condition.

gnomAD v4.1: 42 of 1,614,036 alleles (0.0026%); highest among the groups gnomAD compares: African/African-American, 0.029%; no homozygotes.

Submission:

PreventionGenetics, part of Exact Sciences
Classification: Uncertain significance for TMPRSS6-related condition. Last evaluated: 2024-06-04. Review status: no assertion criteria provided. Collection method: clinical testing. Allele origin: germline.
Comment: The TMPRSS6 c.277C>T variant is predicted to result in the amino acid substitution p.Arg93Cys. This variant has been reported in the heterozygous state in an individual with iron deficiency anemia (Abstract 629, Heeney et al. 2009. DOI 10.1182/blood.V114.22.629.629). This variant is reported in 0.052% of alleles in individuals of African descent in gnomAD. At this time, the clinical significance of this variant is uncertain due to the absence of conclusive functional and genetic evidence.

NM_001374504.1(TMPRSS6):c.250C>T (p.Arg84Cys)

Gene: TMPRSS6 (transmembrane serine protease 6; minus strand). Cytogenetic location: 22q12.3.
Variant type: single nucleotide variant.
Coding change: c.250C>T on transcript NM_001374504.1 (MANE Select); coding-DNA position 250, C replaced by T.
Protein change: p.Arg84Cys; replaces arginine 84 with cysteine.
Molecular consequence: missense variant.
Genome position (GRCh38, 1-based): chr22:37,098,502, G>A on the plus strand (C>T on the coding strand, the complement: TMPRSS6 is on the minus strand). VCF-style: chr22-37098502-G-A. GRCh37 (hg19) VCF-style: chr22-37494542-G-A.
Other names: c.250C>T, p.Arg84Cys (NM_001289000.2, NM_001289001.2, NM_153609.4); short protein forms R84C.
Identifiers: ClinVar variation 3352110 (VCV003352110.1).